The following is an entry in ClinVar:

ClinVar aggregate classification (germline): Uncertain significance (1 of 4 stars; one submission).

Conditions:
Compton-North congenital myopathy (CMYO12). Identifiers: Orphanet 210163, MedGen C2675527, MONDO:0012929, OMIM 612540.

Allele frequency attached by ClinVar (database versions not stated): TOPMed below 0.00001.

Submission:

Labcorp Genetics (formerly Invitae), Labcorp
Classification: Uncertain significance for Compton-North congenital myopathy. Last evaluated: 2022-05-04. Review status: criteria provided, single submitter. Criteria: Invitae Variant Classification Sherloc (09022015). Collection method: clinical testing. Allele origin: germline.
Comment: This sequence change replaces aspartic acid, which is acidic and polar, with histidine, which is basic and polar, at codon 874 of the CNTN1 protein (p.Asp874His). In summary, the available evidence is currently insufficient to determine the role of this variant in disease. Therefore, it has been classified as a Variant of Uncertain Significance. Advanced modeling of protein sequence and biophysical properties (such as structural, functional, and spatial information, amino acid conservation, physicochemical variation, residue mobility, and thermodynamic stability) performed at Invitae indicates that this missense variant is not expected to disrupt CNTN1 protein function. This variant has not been reported in the literature in individuals affected with CNTN1-related conditions. This variant is not present in population databases (gnomAD no frequency).

NM_001843.4(CNTN1):c.2620G>C (p.Asp874His)

Gene: CNTN1 (contactin 1; plus strand). Cytogenetic location: 12q12.
Variant type: single nucleotide variant.
Coding change: c.2620G>C on transcript NM_001843.4 (MANE Select); coding-DNA position 2620, G replaced by C.
Protein change: p.Asp874His; replaces aspartic acid 874 with histidine.
Molecular consequence: missense variant.
Genome position (GRCh38, 1-based): chr12:41,025,246, G>C. VCF-style: chr12-41025246-G-C. GRCh37 (hg19) VCF-style: chr12-41419048-G-C.
Other names: c.2587G>C, p.Asp863His (NM_175038.2); short protein forms D874H, D863H.
Identifiers: ClinVar variation 2080173 (VCV002080173.4), dbSNP rs570274163, ClinGen allele CA235948558.